The following is an entry in ClinVar:

ClinVar aggregate classification (germline): Uncertain significance. Review status: criteria provided, multiple submitters, no conflicts (2 of 4 stars). 2 submissions from 2 submitters: Uncertain significance (2). Last evaluated 2025-08-07.

Conditions:
Inborn genetic diseases. Identifiers: MedGen C0950123, MeSH D030342.

Allele frequency attached by ClinVar (database versions not stated): TOPMed 0.00001; ExAC 0.00002; gnomAD 0.00003.
gnomAD v4.1: 34 of 1,597,642 alleles (0.0021%); highest among the groups gnomAD compares: Middle Eastern, 0.017%; no homozygotes.

Submissions (2):

Ambry Genetics
Classification: Uncertain significance for Inborn genetic diseases. Last evaluated: 2025-08-07. Review status: criteria provided, single submitter. Criteria: Ambry Variant Classification Scheme 2023. Collection method: clinical testing. Allele origin: germline.

Labcorp Genetics (formerly Invitae), Labcorp
Classification: Uncertain significance. Last evaluated: 2025-06-12. Review status: criteria provided, single submitter. Criteria: Invitae Variant Classification Sherloc (09022015). Collection method: clinical testing. Allele origin: germline.
Comment: This sequence change replaces alanine, which is neutral and non-polar, with threonine, which is neutral and polar, at codon 172 of the CHMP1A protein (p.Ala172Thr). This variant is present in population databases (rs771909969, gnomAD 0.01%). This variant has not been reported in the literature in individuals affected with CHMP1A-related conditions. ClinVar contains an entry for this variant (Variation ID: 1933073). An algorithm developed to predict the effect of missense changes on protein structure and function (PolyPhen-2) suggests that this variant is likely to be tolerated. In summary, the available evidence is currently insufficient to determine the role of this variant in disease. Therefore, it has been classified as a Variant of Uncertain Significance.

NM_002768.5(CHMP1A):c.514G>A (p.Ala172Thr)

Gene: CHMP1A (charged multivesicular body protein 1A; minus strand). Cytogenetic location: 16q24.3.
Variant type: single nucleotide variant.
Coding change: c.514G>A on transcript NM_002768.5 (MANE Select); coding-DNA position 514, G replaced by A.
Protein change: p.Ala172Thr; replaces alanine 172 with threonine.
Molecular consequence: missense variant. On other transcripts: non-coding transcript variant (1).
Genome position (GRCh38, 1-based): chr16:89,646,582, C>T on the plus strand (G>A on the coding strand, the complement: CHMP1A is on the minus strand). VCF-style: chr16-89646582-C-T. GRCh37 (hg19) VCF-style: chr16-89712990-C-T.
Other names: c.494G>A (NM_001083314.1); c.494G>A, p.Arg165His (NM_001083314.4); short protein forms A172T, R165H.
Identifiers: ClinVar variation 1933073 (VCV001933073.4), dbSNP rs771909969, ClinGen allele CA8246960.
Genomic context (GRCh38, chr16:89,646,582, plus strand): 5'-CCTACCTCCGTGACAGCTGGTCCTCCTGGCTGCGCACAGAGCTCTCGCCCACGGCAGAGG[C>T]GCCCTCGGGCAGCTGGCTGAGCTGGTCCAGCACCTCCAGGCCATTCTCCTCGGCGATCTG-3'
Protein context (NP_002759.2, residues 162-182): LDQLSQLPEG[Ala172Thr]SAVGESSVRS